The following is an entry in ClinVar:

ClinVar aggregate classification (germline): Conflicting classifications of pathogenicity. Review status: criteria provided, conflicting classifications (1 of 4 stars). 6 submissions from 6 submitters: Uncertain significance (1); Likely benign (4). 1 of the submissions does not count toward it. Last evaluated 2025-09-12.

Conditions:
Epidermolysis bullosa simplex 5C, with pyloric atresia (EBS5C). Also called: PLEC-Related Epidermolysis Bullosa with Pyloric Atresia; Epidermolysis bullosa simplex with pyloric atresia; PLEC1-Related Epidermolysis Bullosa with Pyloric Atresia. Identifiers: Orphanet 158684, MedGen C2677349, MONDO:0012807, OMIM 612138.
Epidermolysis bullosa simplex 5B, with muscular dystrophy (EBS5B). Also called: EPIDERMOLYSIS BULLOSA SIMPLEX AND LIMB-GIRDLE MUSCULAR DYSTROPHY; Epidermolysis bullosa simplex with muscular dystrophy. Identifiers: Orphanet 257, MedGen C2931072, MONDO:0009181, OMIM 226670.
Autosomal recessive limb-girdle muscular dystrophy type 2Q (LGMDR17). Also called: MUSCULAR DYSTROPHY, LIMB-GIRDLE, AUTOSOMAL RECESSIVE 17. Identifiers: Orphanet 254361, MedGen C3150989, MONDO:0013390, OMIM 613723.
Epidermolysis bullosa simplex with nail dystrophy (EBS5D). Identifiers: MedGen C4225309, MONDO:0014661, OMIM 616487.
Epidermolysis bullosa simplex, Ogna type (EBS5A). Also called: Pidermolysis bullosa simplex 5A, Ogna type; EPIDERMOLYSIS BULLOSA SIMPLEX 5A, OGNA TYPE. Identifiers: Orphanet 79401, MedGen C0432317, MONDO:0007555, OMIM 131950.
PLEC-related disorder. Also called: PLEC-related disorders; PLEC-related condition.

Allele frequency attached by ClinVar (database versions not stated): gnomAD 0.00014; ESP Exome Variant Server 0.00024; TOPMed 0.00012.
gnomAD v4.1: 313 of 1,612,746 alleles (0.019%); highest among the groups gnomAD compares: Non-Finnish European, 0.025%; no homozygotes.

Submissions (6):

Labcorp Genetics (formerly Invitae), Labcorp
Classification: Likely benign for Autosomal recessive limb-girdle muscular dystrophy type 2Q; Epidermolysis bullosa simplex, Ogna type; Epidermolysis bullosa simplex with nail dystrophy; Epidermolysis bullosa simplex 5C, with pyloric atresia; Epidermolysis bullosa simplex 5B, with muscular dystrophy. Last evaluated: 2025-09-12. Review status: criteria provided, single submitter. Criteria: Invitae Variant Classification Sherloc (09022015). Collection method: clinical testing. Allele origin: germline.

Blueprint Genetics
Classification: Likely benign. Last evaluated: 2024-11-19. Review status: criteria provided, single submitter. Criteria: ACMG Guidelines, 2015. Collection method: clinical testing. Allele origin: germline.

CeGaT Center for Human Genetics Tuebingen
Classification: Likely benign. Last evaluated: 2024-09-01. Review status: criteria provided, single submitter. Criteria: CeGaT Center For Human Genetics Tuebingen Variant Classification Criteria Version 2. Collection method: clinical testing. Allele origin: germline. Affected: yes. Observed: 1 variant allele.
Comment: PLEC: BP4, BP7

GeneDx
Classification: Likely benign. Last evaluated: 2019-07-01. Review status: criteria provided, single submitter. Criteria: GeneDx Variant Classification Process June 2021. Collection method: clinical testing. Allele origin: germline. Affected: yes.

Eurofins Ntd Llc (ga)
Classification: Uncertain significance. Last evaluated: 2016-12-28. Review status: criteria provided, single submitter. Criteria: EGL Classification Definitions 2015. Collection method: clinical testing. Allele origin: germline. Observed: 1 variant allele, 1 heterozygote.

PreventionGenetics, part of Exact Sciences
Classification: Likely benign for PLEC-related condition. Last evaluated: 2022-06-08. Review status: no assertion criteria provided. Collection method: clinical testing. Allele origin: germline. Not counted in ClinVar's aggregate classification.
Comment: This variant is classified as likely benign based on ACMG/AMP sequence variant interpretation guidelines (Richards et al. 2015 PMID: 25741868, with internal and published modifications).

NM_201384.3(PLEC):c.1305G>A (p.Ala435=)

Gene: PLEC (plectin; minus strand). Cytogenetic location: 8q24.3.
Variant type: single nucleotide variant.
Coding change: c.1305G>A on transcript NM_201384.3 (MANE Select); coding-DNA position 1305, G replaced by A.
Protein change: p.Ala435=; no amino-acid change (alanine 435 retained).
Molecular consequence: synonymous variant.
Genome position (GRCh38, 1-based): chr8:143,933,310, C>T on the plus strand (G>A on the coding strand, the complement: PLEC is on the minus strand). VCF-style: chr8-143933310-C-T. GRCh37 (hg19) VCF-style: chr8-145007478-C-T.
Other names: c.1386G>A, p.Ala462= (NM_000445.5); c.1263G>A, p.Ala421= (NM_201378.4); c.1239G>A, p.Ala413= (NM_201379.3); c.1716G>A, p.Ala572= (NM_201380.4); c.1209G>A, p.Ala403= (NM_201381.3); c.1305G>A, p.Ala435= (NM_201382.4); c.1317G>A, p.Ala439= (NM_201383.3).
Identifiers: ClinVar variation 499082 (VCV000499082.34), dbSNP rs369877618, ClinGen allele CA4928020.